The following is an entry in ClinVar:

NM_012452.3(TNFRSF13B):c.365G>A (p.Arg122Gln)

Gene: TNFRSF13B (TNF receptor superfamily member 13B; minus strand). Cytogenetic location: 17p11.2.
Variant type: single nucleotide variant.
Coding change: c.365G>A on transcript NM_012452.3 (MANE Select); coding-DNA position 365, G replaced by A.
Protein change: p.Arg122Gln; replaces arginine 122 with glutamine.
Molecular consequence: missense variant.
Genome position (GRCh38, 1-based): chr17:16,948,818, C>T on the plus strand (G>A on the coding strand, the complement: TNFRSF13B is on the minus strand). VCF-style: chr17-16948818-C-T. GRCh37 (hg19) VCF-style: chr17-16852132-C-T.
Other names: short protein forms R122Q.
Identifiers: ClinVar variation 835226 (VCV000835226.2), dbSNP rs755343222, ClinGen allele CA8414027.

ClinVar aggregate classification (germline): Uncertain significance. Review status: criteria provided, multiple submitters, no conflicts (2 of 4 stars). 2 submissions from 2 submitters: Uncertain significance (2). Last evaluated 2025-06-25.

Conditions:
Immunodeficiency, common variable, 2 (CVID2). Also called: ANTIBODY DEFICIENCY DUE TO TACI DEFECT; HYPOGAMMAGLOBULINEMIA DUE TO TACI DEFICIENCY. Identifiers: Orphanet 1572, MedGen C3150354, MONDO:0009413, OMIM 240500.

Allele frequency attached by ClinVar (database versions not stated): gnomAD 0.00001 and 0.00002; TOPMed 0.00002; ExAC 0.00003.
gnomAD v4.1: 48 of 1,614,218 alleles (0.003%); highest among the groups gnomAD compares: South Asian, 0.0055%; no homozygotes.

Submissions (2):

Institute of Human Genetics, University of Leipzig Medical Center
Classification: Uncertain significance for Immunodeficiency, common variable, 2. Last evaluated: 2025-06-25. Review status: criteria provided, single submitter. Criteria: ACMG Guidelines, 2015. Collection method: clinical testing. Allele origin: unknown. Affected: yes.
Comment: Criteria applied: PM2,PM3_SUP

Labcorp Genetics (formerly Invitae), Labcorp
Classification: Uncertain significance for Common variable immunodeficiency 2. Last evaluated: 2019-04-03. Review status: criteria provided, single submitter. Criteria: Invitae Variant Classification Sherloc (09022015). Collection method: clinical testing. Allele origin: germline.
Comment: This sequence change replaces arginine with glutamine at codon 122 of the TNFRSF13B protein (p.Arg122Gln). The arginine residue is moderately conserved and there is a small physicochemical difference between arginine and glutamine. This variant is present in population databases (rs755343222, ExAC 0.006%). This variant has been observed in an individual affected with common variable immunodeficiency and very early-onset inflammatory bowel disease (PMID: 29531467). Algorithms developed to predict the effect of missense changes on protein structure and function output the following: SIFT: "Tolerated"; PolyPhen-2: "Benign"; Align-GVGD: "Class C0". The glutamine amino acid residue is found in multiple mammalian species, suggesting that this missense change does not adversely affect protein function. These predictions have not been confirmed by published functional studies and their clinical significance is uncertain. In summary, the available evidence is currently insufficient to determine the role of this variant in disease. Therefore, it has been classified as a Variant of Uncertain Significance.

Literature cited by the submitters: PubMed 29531467 (cited by Labcorp Genetics (formerly Invitae), Labcorp).